The following is an entry in ClinVar:

ClinVar aggregate classification (germline): Uncertain significance (1 of 4 stars; one submission).

Submission:

GeneDx
Classification: Uncertain significance. Last evaluated: 2025-05-05. Review status: criteria provided, single submitter. Criteria: GeneDx Variant Classification Process June 2021. Collection method: clinical testing. Allele origin: germline. Affected: yes.
Comment: Not observed at significant frequency in large population cohorts (gnomAD); In silico analysis suggests that this missense variant does not alter protein structure/function; Has not been previously published as pathogenic or benign to our knowledge

NM_138383.3(MTSS2):c.2042T>A (p.Leu681Gln)

Gene: MTSS2 (MTSS I-BAR domain containing 2; minus strand). Cytogenetic location: 16q22.1.
Variant type: single nucleotide variant.
Coding change: c.2042T>A on transcript NM_138383.3 (MANE Select); coding-DNA position 2042, T replaced by A.
Protein change: p.Leu681Gln; replaces leucine 681 with glutamine.
Molecular consequence: missense variant.
Genome position (GRCh38, 1-based): chr16:70,663,879, A>T on the plus strand (T>A on the coding strand, the complement: MTSS2 is on the minus strand). VCF-style: chr16-70663879-A-T. GRCh37 (hg19) VCF-style: chr16-70697782-A-T.
Other names: short protein forms L681Q.
Identifiers: ClinVar variation 4528097 (VCV004528097.1).
Genomic context (GRCh38, chr16:70,663,879, plus strand): 5'-GCCGACAGAGCAGTGGGGAAGGGGAACTGGCCCTCACCCAGTGCGTGGGCACCCGCCACC[A>T]GCTCCCCCAGCTTCTCCACCAGGCTGTGCCGGTTGGCCGCCAGCTGCTGCTGCTCGTCCT-3'
Protein context (NP_612392.1, residues 671-691): RHSLVEKLGE[Leu681Gln]VAGAHALGEG